The following is an entry in ClinVar:

ClinVar aggregate classification (germline): Likely benign. Review status: criteria provided, multiple submitters, no conflicts (2 of 4 stars). 3 submissions from 3 submitters: Likely benign (3). Last evaluated 2025-12-14.

Conditions:
Cardiovascular phenotype. Identifiers: MedGen CN230736.
Dilated cardiomyopathy 1G (CMD1G). Identifiers: Orphanet 154, MedGen C1858763, MONDO:0011400, OMIM 604145.
Autosomal recessive limb-girdle muscular dystrophy type 2J (LGMDR10). Also called: Limb-girdle muscular dystrophy, type 2J; MUSCULAR DYSTROPHY, LIMB-GIRDLE, AUTOSOMAL RECESSIVE 10. Identifiers: Orphanet 140922, MedGen C1837342, MONDO:0012127, OMIM 608807.

Allele frequency attached by ClinVar (database versions not stated): gnomAD 0.00001; gnomAD exomes 0.00001; TOPMed 0.00001; ExAC 0.00002.
gnomAD v4.1: 12 of 1,613,870 alleles (0.00074%); highest among the groups gnomAD compares: Admixed American, 0.0017%; no homozygotes.

Submissions (3):

Labcorp Genetics (formerly Invitae), Labcorp
Classification: Likely benign for Dilated cardiomyopathy 1G; Autosomal recessive limb-girdle muscular dystrophy type 2J. Last evaluated: 2025-12-14. Review status: criteria provided, single submitter. Criteria: Invitae Variant Classification Sherloc (09022015). Collection method: clinical testing. Allele origin: germline.

CeGaT Center for Human Genetics Tuebingen
Classification: Likely benign. Last evaluated: 2025-10-01. Review status: criteria provided, single submitter. Criteria: CeGaT Center For Human Genetics Tuebingen Variant Classification Criteria Version 2. Collection method: clinical testing. Allele origin: germline. Affected: yes. Observed: 1 variant allele.
Comment: TTN: BP4, BP7

Ambry Genetics
Classification: Likely benign for Cardiovascular phenotype. Last evaluated: 2020-01-19. Review status: criteria provided, single submitter. Criteria: Ambry Variant Classification Scheme 2023. Collection method: clinical testing. Allele origin: germline.

NM_001267550.2(TTN):c.87660C>T (p.Ile29220=)

Genes: TTN (titin; minus strand), TTN-AS1 (TTN antisense RNA 1; plus strand). Cytogenetic location: 2q31.2.
Variant type: single nucleotide variant.
Coding change: c.87660C>T on transcript NM_001267550.2 (MANE Select); coding-DNA position 87660, C replaced by T.
Protein change: p.Ile29220=; no amino-acid change (isoleucine 29220 retained).
Molecular consequence: synonymous variant.
Genome position (GRCh38, 1-based): chr2:178,557,694, G>A on the plus strand (C>T on the coding strand, the complement: TTN is on the minus strand). VCF-style: chr2-178557694-G-A. GRCh37 (hg19) VCF-style: chr2-179422421-G-A.
Other names: c.82737C>T, p.Ile27579= (NM_001256850.1); c.60465C>T, p.Ile20155= (NM_003319.4); c.79956C>T, p.Ile26652= (NM_133378.4); c.60840C>T, p.Ile20280= (NM_133432.3); c.61041C>T, p.Ile20347= (NM_133437.4).
Identifiers: ClinVar variation 703273 (VCV000703273.22), dbSNP rs777982415, ClinGen allele CA1988284.